The following is an entry in ClinVar:

NM_024675.4(PALB2):c.1932A>C (p.Gly644=)

Gene: PALB2 (partner and localizer of BRCA2; minus strand). Cytogenetic location: 16p12.2.
Variant type: single nucleotide variant.
Coding change: c.1932A>C on transcript NM_024675.4 (MANE Select); coding-DNA position 1932, A replaced by C.
Protein change: p.Gly644=; no amino-acid change (glycine 644 retained).
Molecular consequence: synonymous variant.
Genome position (GRCh38, 1-based): chr16:23,630,222, T>G on the plus strand (A>C on the coding strand, the complement: PALB2 is on the minus strand). VCF-style: chr16-23630222-T-G. GRCh37 (hg19) VCF-style: chr16-23641543-T-G.
Identifiers: ClinVar variation 629046 (VCV000629046.15), dbSNP rs1567218470, ClinGen allele CA494461154.
Genomic context (GRCh38, chr16:23,630,222, plus strand): 5'-CATGCGTTTAGGACTCAGTTCCTCTGGAAAAATACAGCTTCCCTCTTTAAGATGTCTCTC[T>G]CCAAACATTTTTGACTCAAAGGGCTCCACTGGTTTTTCTGAGCAGGACTTCACTTTTTCA-3'
Protein context (NP_078951.2, residues 634-654): PVEPFESKMF[Gly644=]ERHLKEGSCI

ClinVar aggregate classification (germline): Benign/Likely benign. Review status: criteria provided, multiple submitters, no conflicts (2 of 4 stars). 4 submissions from 4 submitters: Benign (1); Likely benign (3). Last evaluated 2025-01-15.

Conditions:
Hereditary cancer-predisposing syndrome. Also called: Neoplastic Syndromes, Hereditary; Tumor predisposition; Hereditary neoplastic syndrome; Hereditary Cancer Syndrome. Identifiers: Orphanet 140162, MedGen C0027672, MeSH D009386, MONDO:0015356.
Familial cancer of breast. Also called: BREAST CANCER, FAMILIAL; Hereditary breast cancer; hereditary breast carcinoma. Identifiers: Orphanet 227535, MedGen C0346153, MONDO:0016419, OMIM 114480. Disease mechanism: loss of function.

Allele frequency attached by ClinVar (database versions not stated): gnomAD exomes 0.00001.
gnomAD v4.1: 5 of 1,614,130 alleles (0.00031%); highest among the groups gnomAD compares: Non-Finnish European, 0.00042%; no homozygotes.

Submissions (4):

Myriad Genetics, Inc.
Classification: Benign for Familial cancer of breast. Last evaluated: 2025-01-15. Review status: criteria provided, single submitter. Criteria: Myriad Autosomal Dominant, Autosomal Recessive and X-Linked Classification Criteria (2023). Collection method: clinical testing. Allele origin: unknown.
Comment: This variant is considered benign. This variant is a silent/synonymous amino acid change and it is not expected to impact splicing.

Labcorp Genetics (formerly Invitae), Labcorp
Classification: Likely benign for Familial cancer of breast. Last evaluated: 2023-03-31. Review status: criteria provided, single submitter. Criteria: Invitae Variant Classification Sherloc (09022015). Collection method: clinical testing. Allele origin: germline.

Ambry Genetics
Classification: Likely benign for Hereditary cancer-predisposing syndrome. Last evaluated: 2020-08-11. Review status: criteria provided, single submitter. Criteria: Ambry Variant Classification Scheme 2023. Collection method: clinical testing. Allele origin: germline.

Color Diagnostics, LLC DBA Color Health
Classification: Likely benign for Hereditary cancer-predisposing syndrome. Last evaluated: 2018-08-13. Review status: criteria provided, single submitter. Criteria: ACMG Guidelines, 2015. Collection method: clinical testing. Allele origin: germline.